The following is an entry in ClinVar:

ClinVar aggregate classification (germline): Uncertain significance (1 of 4 stars; one submission).

gnomAD v4.1: 28 of 1,613,834 alleles (0.0017%); highest among the groups gnomAD compares: African/African-American, 0.0093%; no homozygotes.

Submission:

Labcorp Genetics (formerly Invitae), Labcorp
Classification: Uncertain significance. Last evaluated: 2024-09-11. Review status: criteria provided, single submitter. Criteria: Invitae Variant Classification Sherloc (09022015). Collection method: clinical testing. Allele origin: germline.
Comment: This sequence change replaces arginine, which is basic and polar, with cysteine, which is neutral and slightly polar, at codon 507 of the SLC34A1 protein (p.Arg507Cys). The frequency data for this variant in the population databases is considered unreliable, as metrics indicate poor data quality at this position in the gnomAD database. This variant has not been reported in the literature in individuals affected with SLC34A1-related conditions. Invitae Evidence Modeling of protein sequence and biophysical properties (such as structural, functional, and spatial information, amino acid conservation, physicochemical variation, residue mobility, and thermodynamic stability) indicates that this missense variant is not expected to disrupt SLC34A1 protein function with a negative predictive value of 80%. In summary, the available evidence is currently insufficient to determine the role of this variant in disease. Therefore, it has been classified as a Variant of Uncertain Significance.

NM_003052.5(SLC34A1):c.1519C>T (p.Arg507Cys)

Gene: SLC34A1 (solute carrier family 34 member 1; plus strand). Cytogenetic location: 5q35.3.
Variant type: single nucleotide variant.
Coding change: c.1519C>T on transcript NM_003052.5 (MANE Select); coding-DNA position 1519, C replaced by T.
Protein change: p.Arg507Cys; replaces arginine 507 with cysteine.
Molecular consequence: missense variant.
Genome position (GRCh38, 1-based): chr5:177,397,885, C>T. VCF-style: chr5-177397885-C-T. GRCh37 (hg19) VCF-style: chr5-176824886-C-T.
Other names: short protein forms R507C.
Identifiers: ClinVar variation 3665452 (VCV003665452.1).